The following is an entry in ClinVar:

NM_005359.6(SMAD4):c.637A>C (p.Asn213His)

Gene: SMAD4 (SMAD family member 4; plus strand). Cytogenetic location: 18q21.2.
Variant type: single nucleotide variant.
Coding change: c.637A>C on transcript NM_005359.6 (MANE Select); coding-DNA position 637, A replaced by C.
Protein change: p.Asn213His; replaces asparagine 213 with histidine.
Molecular consequence: missense variant.
Genome position (GRCh38, 1-based): chr18:51,054,963, A>C. VCF-style: chr18-51054963-A-C. GRCh37 (hg19) VCF-style: chr18-48581333-A-C.
Other names: short protein forms N213H.
Identifiers: ClinVar variation 1483761 (VCV001483761.8), dbSNP rs2144419490, ClinGen allele CA402461252.

ClinVar aggregate classification (germline): Uncertain significance. Review status: criteria provided, multiple submitters, no conflicts (2 of 4 stars). 2 submissions from 2 submitters: Uncertain significance (2). Last evaluated 2021-08-16.

Conditions:
Juvenile polyposis syndrome (JPS). Identifiers: Orphanet 2929, MedGen C0345893, MONDO:0017380, OMIM 174900.
Familial thoracic aortic aneurysm and aortic dissection (TAAD). Also called: Thoracic aortic aneurysms and dissections. Identifiers: Orphanet 91387, MedGen C4707243, MONDO:0019625.
Hereditary cancer-predisposing syndrome. Also called: Neoplastic Syndromes, Hereditary; Tumor predisposition; Hereditary neoplastic syndrome; Hereditary Cancer Syndrome. Identifiers: Orphanet 140162, MedGen C0027672, MeSH D009386, MONDO:0015356.

Submissions (2):

Labcorp Genetics (formerly Invitae), Labcorp
Classification: Uncertain significance for Juvenile polyposis syndrome. Last evaluated: 2021-08-16. Review status: criteria provided, single submitter. Criteria: Invitae Variant Classification Sherloc (09022015). Collection method: clinical testing. Allele origin: germline.
Comment: In summary, the available evidence is currently insufficient to determine the role of this variant in disease. Therefore, it has been classified as a Variant of Uncertain Significance. Advanced modeling of protein sequence and biophysical properties (such as structural, functional, and spatial information, amino acid conservation, physicochemical variation, residue mobility, and thermodynamic stability) performed at Invitae indicates that this missense variant is not expected to disrupt SMAD4 protein function. This variant has not been reported in the literature in individuals affected with SMAD4-related conditions. This variant is not present in population databases (ExAC no frequency). This sequence change replaces asparagine with histidine at codon 213 of the SMAD4 protein (p.Asn213His). The asparagine residue is moderately conserved and there is a small physicochemical difference between asparagine and histidine.

Ambry Genetics
Classification: Uncertain significance for Hereditary cancer-predisposing syndrome; Familial thoracic aortic aneurysm and aortic dissection. Last evaluated: 2021-01-29. Review status: criteria provided, single submitter. Criteria: Ambry Variant Classification Scheme 2023. Collection method: clinical testing. Allele origin: germline.
Comment: The p.N213H variant (also known as c.637A>C), located in coding exon 4 of the SMAD4 gene, results from an A to C substitution at nucleotide position 637. The asparagine at codon 213 is replaced by histidine, an amino acid with similar properties. This amino acid position is well conserved in available vertebrate species. In addition, the in silico prediction for this alteration is inconclusive. Since supporting evidence is limited at this time, the clinical significance of this alteration remains unclear.